The following is an entry in ClinVar:

NM_001379500.1(COL18A1):c.1555G>T (p.Ala519Ser)

Gene: COL18A1 (collagen type XVIII alpha 1 chain; plus strand). Cytogenetic location: 21q22.3.
Variant type: single nucleotide variant.
Coding change: c.1555G>T on transcript NM_001379500.1 (MANE Select); coding-DNA position 1555, G replaced by T.
Protein change: p.Ala519Ser; replaces alanine 519 with serine.
Molecular consequence: missense variant.
Genome position (GRCh38, 1-based): chr21:45,480,802, G>T. VCF-style: chr21-45480802-G-T. GRCh37 (hg19) VCF-style: chr21-46900716-G-T.
Other names: c.2095G>T, p.Ala699Ser (NM_030582.4); c.2800G>T, p.Ala934Ser (NM_130444.3); short protein forms A934S, A519S, A699S.
Identifiers: ClinVar variation 1347394 (VCV001347394.4), dbSNP rs61737706, ClinGen allele CA10066387.
Genomic context (GRCh38, chr21:45,480,802, plus strand): 5'-CCAGGCCTGCCCGGCGAGCCAGGCCGCTTTGGGGTGAACAGCTCCGACGTCCCAGGACCC[G>T]CCGGCCTTCCTGGTGTGCCTGGGCGCGAGGGTCCCCCCGGGTTTCCTGGCCTCCCGGTAA-3'
Protein context (NP_001366429.1, residues 509-529): GVNSSDVPGP[Ala519Ser]GLPGVPGREG

ClinVar aggregate classification (germline): Uncertain significance (1 of 4 stars; one submission).

gnomAD v4.1: 58 of 1,611,516 alleles (0.0036%); highest among the groups gnomAD compares: Non-Finnish European, 0.0048%; no homozygotes.

Submission:

Labcorp Genetics (formerly Invitae), Labcorp
Classification: Uncertain significance. Last evaluated: 2022-12-06. Review status: criteria provided, single submitter. Criteria: Invitae Variant Classification Sherloc (09022015). Collection method: clinical testing. Allele origin: germline.
Comment: In summary, the available evidence is currently insufficient to determine the role of this variant in disease. Therefore, it has been classified as a Variant of Uncertain Significance. Experimental studies and prediction algorithms are not available or were not evaluated, and the functional significance of this variant is currently unknown. ClinVar contains an entry for this variant (Variation ID: 1347394). This variant has not been reported in the literature in individuals affected with COL18A1-related conditions. This variant is present in population databases (rs61737706, gnomAD 0.006%). This sequence change replaces alanine, which is neutral and non-polar, with serine, which is neutral and polar, at codon 519 of the COL18A1 protein (p.Ala519Ser).